The following is an entry in ClinVar:

NM_001003841.3(SLC6A19):c.664-4G>A

Gene: SLC6A19 (solute carrier family 6 member 19; plus strand). Cytogenetic location: 5p15.33.
Variant type: single nucleotide variant.
Coding change: c.664-4G>A on transcript NM_001003841.3 (MANE Select); 4 bases into the intron before coding-DNA position 664, G replaced by A.
Molecular consequence: intron variant.
Genome position (GRCh38, 1-based): chr5:1,213,459, G>A. VCF-style: chr5-1213459-G-A. GRCh37 (hg19) VCF-style: chr5-1213574-G-A.
Other names: c.664-4G>A (NM_001003841.2).
Identifiers: ClinVar variation 1557218 (VCV001557218.10), dbSNP rs367577633, ClinGen allele CA3182830.
Genomic context (GRCh38, chr5:1,213,459, plus strand): 5'-CCGCCCCCACCGCATGCCTGGCCCCCCAACTTCCCGCCCATCCCACATGTCCCGCCCTCC[G>A]CAGGCCGTGTACATCACCTCCACGCTGCCCTATGTCGTCCTGACCATCTTCCTCATCCGA-3'

ClinVar aggregate classification (germline): Likely benign. Review status: criteria provided, single submitter (1 of 4 stars). 2 submissions from 2 submitters: Likely benign (1). 1 of the submissions does not count toward it. Last evaluated 2025-07-14.

Conditions:
SLC6A19-related disorder. Also called: SLC6A19-related condition.

Allele frequency attached by ClinVar (database versions not stated): gnomAD exomes 0.00003 and 0.00005; ExAC 0.00004; gnomAD 0.00007; ESP Exome Variant Server 0.00015.
gnomAD v4.1: 48 of 1,309,216 alleles (0.0037%); highest among the groups gnomAD compares: African/African-American, 0.015%; no homozygotes.

Submissions (2):

Labcorp Genetics (formerly Invitae), Labcorp
Classification: Likely benign. Last evaluated: 2025-07-14. Review status: criteria provided, single submitter. Criteria: Invitae Variant Classification Sherloc (09022015). Collection method: clinical testing. Allele origin: germline.

PreventionGenetics, part of Exact Sciences
Classification: Likely benign for SLC6A19-related condition. Last evaluated: 2019-05-25. Review status: no assertion criteria provided. Collection method: clinical testing. Allele origin: germline. Not counted in ClinVar's aggregate classification.
Comment: This variant is classified as likely benign based on ACMG/AMP sequence variant interpretation guidelines (Richards et al. 2015 PMID: 25741868, with internal and published modifications).